The following is an entry in ClinVar:

ClinVar aggregate classification (germline): Pathogenic (1 of 4 stars; one submission).

Conditions:
Hereditary cancer-predisposing syndrome. Also called: Neoplastic Syndromes, Hereditary; Tumor predisposition; Hereditary Cancer Syndrome; Hereditary neoplastic syndrome. Identifiers: Orphanet 140162, MedGen C0027672, MeSH D009386, MONDO:0015356.

Submission:

Ambry Genetics
Classification: Pathogenic for Hereditary cancer-predisposing syndrome. Last evaluated: 2025-09-15. Review status: criteria provided, single submitter. Criteria: Ambry Variant Classification Scheme 2023. Collection method: clinical testing. Allele origin: germline.
Comment: The c.1950_1951ins10 variant, located in coding exon 12 of the ATM gene, results from an insertion of 10 nucleotides (ATAAGAAGAA) at position 1950, causing a translational frameshift with a predicted alternate stop codon (p.L651Ifs*11). This variant is considered to be rare based on population cohorts in the Genome Aggregation Database (gnomAD). This alteration is expected to result in loss of function by premature protein truncation or nonsense-mediated mRNA decay. As such, this alteration is interpreted as a disease-causing mutation.

NM_000051.4(ATM):c.1950_1951insATAAGAAGAA (p.Leu651fs)

Gene: ATM (ATM serine/threonine kinase; plus strand). Cytogenetic location: 11q22.3.
Variant type: Microsatellite.
Coding change: c.1950_1951insATAAGAAGAA on transcript NM_000051.4 (MANE Select); coding-DNA positions 1950 to 1951, ATAAGAAGAA inserted.
Protein change: p.Leu651fs; shifts the reading frame from leucine 651.
Molecular consequence: frameshift variant.
Genome position: GRCh38 VCF-style: chr11-108253858-T-TAGAAGAAATA. GRCh37 (hg19) VCF-style: chr11-108124585-T-TAGAAGAAATA.
Other names: c.1944_1950AGA[2][1], p.Glu650Aspfs (NM_000051.3); c.1950_1951insATAAGAAGAA, p.Leu651fs (NM_001351834.2); c.1950_1951insATAAGAAGAA (NM_000051.3); short protein forms L651fs.
Identifiers: ClinVar variation 4617024 (VCV004617024.1).